The following is an entry in ClinVar:

NM_033310.3(KCNK4):c.1028A>G (p.Asn343Ser)

Genes: KCNK4 (potassium two pore domain channel subfamily K member 4; plus strand), KCNK4-CATSPERZ (KCNK4-CATSPERZ readthrough (NMD candidate); plus strand). Cytogenetic location: 11q13.1.
Variant type: single nucleotide variant.
Coding change: c.1028A>G on transcript NM_033310.3 (MANE Select); coding-DNA position 1028, A replaced by G.
Protein change: p.Asn343Ser; replaces asparagine 343 with serine.
Molecular consequence: missense variant. On other transcripts: non-coding transcript variant (3).
Genome position (GRCh38, 1-based): chr11:64,299,572, A>G. VCF-style: chr11-64299572-A-G. GRCh37 (hg19) VCF-style: chr11-64067044-A-G.
Other names: c.1028A>G, p.Asn343Ser (NM_001317090.2); short protein forms N343S.
Identifiers: ClinVar variation 3682915 (VCV003682915.2).
Genomic context (GRCh38, chr11:64,299,572, plus strand): 5'-CCGAGAAGGCTCAGCCGCCTTCCCCGCCCACGGCCTCGGCCCTGGATTATCCCAGCGAGA[A>G]CCTGGCCTTCATCGACGAGTCCTCGGATACGCAGAGCGAGCGCGGCTGCCCGCTGCCCCG-3'
Protein context (NP_201567.1, residues 333-353): TASALDYPSE[Asn343Ser]LAFIDESSDT

ClinVar aggregate classification (germline): Uncertain significance (1 of 4 stars; one submission).

gnomAD v4.1: 2 of 1,610,308 alleles (0.00012%); highest among the groups gnomAD compares: Admixed American, 0.0033%; no homozygotes.

Submission:

Labcorp Genetics (formerly Invitae), Labcorp
Classification: Uncertain significance. Last evaluated: 2024-10-23. Review status: criteria provided, single submitter. Criteria: Invitae Variant Classification Sherloc (09022015). Collection method: clinical testing. Allele origin: germline.
Comment: This sequence change replaces asparagine, which is neutral and polar, with serine, which is neutral and polar, at codon 343 of the KCNK4 protein (p.Asn343Ser). This variant is not present in population databases (gnomAD no frequency). This variant has not been reported in the literature in individuals affected with KCNK4-related conditions. An algorithm developed to predict the effect of missense changes on protein structure and function (PolyPhen-2) suggests that this variant is likely to be disruptive. In summary, the available evidence is currently insufficient to determine the role of this variant in disease. Therefore, it has been classified as a Variant of Uncertain Significance.